The following is an entry in ClinVar:

NM_020461.4(TUBGCP6):c.130G>T (p.Ala44Ser)

Gene: TUBGCP6 (tubulin gamma complex component 6; minus strand). Cytogenetic location: 22q13.33.
Variant type: single nucleotide variant.
Coding change: c.130G>T on transcript NM_020461.4 (MANE Select); coding-DNA position 130, G replaced by T.
Protein change: p.Ala44Ser; replaces alanine 44 with serine.
Molecular consequence: missense variant.
Genome position (GRCh38, 1-based): chr22:50,244,330, C>A on the plus strand (G>T on the coding strand, the complement: TUBGCP6 is on the minus strand). VCF-style: chr22-50244330-C-A. GRCh37 (hg19) VCF-style: chr22-50682759-C-A.
Other names: short protein forms A44S.
Identifiers: ClinVar variation 1491764 (VCV001491764.8), dbSNP rs754391892, ClinGen allele CA10309112.

ClinVar aggregate classification (germline): Uncertain significance (1 of 4 stars; one submission).

Allele frequency attached by ClinVar (database versions not stated): gnomAD exomes below 0.00001; ExAC 0.00001.
gnomAD v4.1: 1 of 1,613,574 alleles (0.000062%); highest among the groups gnomAD compares: Admixed American, 0.0017%; no homozygotes.

Submission:

Labcorp Genetics (formerly Invitae), Labcorp
Classification: Uncertain significance. Last evaluated: 2021-04-27. Review status: criteria provided, single submitter. Criteria: Invitae Variant Classification Sherloc (09022015). Collection method: clinical testing. Allele origin: germline.
Comment: In summary, the available evidence is currently insufficient to determine the role of this variant in disease. Therefore, it has been classified as a Variant of Uncertain Significance. Algorithms developed to predict the effect of missense changes on protein structure and function (SIFT, PolyPhen-2, Align-GVGD) all suggest that this variant is likely to be tolerated, but these predictions have not been confirmed by published functional studies and their clinical significance is uncertain. This variant has not been reported in the literature in individuals with TUBGCP6-related conditions. The frequency data for this variant in the population databases is considered unreliable, as metrics indicate poor data quality at this position in the ExAC database. This sequence change replaces alanine with serine at codon 44 of the TUBGCP6 protein (p.Ala44Ser). The alanine residue is weakly conserved and there is a moderate physicochemical difference between alanine and serine.